The following is an entry in ClinVar:

ClinVar aggregate classification (germline): Uncertain significance. Review status: criteria provided, multiple submitters, no conflicts (2 of 4 stars). 2 submissions from 2 submitters: Uncertain significance (2). Last evaluated 2024-02-23.

Conditions:
Neurofibromatosis, type 1 (NF1). Also called: Neurofibromatosis, type I; VON RECKLINGHAUSEN DISEASE; Peripheral type neurofibromatosis; NEUROFIBROMATOSIS, TYPE I, SOMATIC. Identifiers: Orphanet 636, MedGen C0027831, MONDO:0018975, OMIM 162200. Disease mechanism: loss of function.
Cardiovascular phenotype. Identifiers: MedGen CN230736.
Hereditary cancer-predisposing syndrome. Also called: Neoplastic Syndromes, Hereditary; Hereditary neoplastic syndrome; Hereditary Cancer Syndrome; Tumor predisposition. Identifiers: Orphanet 140162, MedGen C0027672, MeSH D009386, MONDO:0015356.

Submissions (2):

Ambry Genetics
Classification: Uncertain significance for Cardiovascular phenotype; Hereditary cancer-predisposing syndrome. Last evaluated: 2024-02-23. Review status: criteria provided, single submitter. Criteria: Ambry Variant Classification Scheme 2023. Collection method: clinical testing. Allele origin: germline.
Comment: The p.V2229L variant (also known as c.6685G>C), located in coding exon 44 of the NF1 gene, results from a G to C substitution at nucleotide position 6685. The valine at codon 2229 is replaced by leucine, an amino acid with highly similar properties. This amino acid position is conserved. In addition, the in silico prediction for this alteration is inconclusive. Based on the available evidence, the clinical significance of this alteration remains unclear.

Labcorp Genetics (formerly Invitae), Labcorp
Classification: Uncertain significance for Neurofibromatosis, type 1. Last evaluated: 2022-06-03. Review status: criteria provided, single submitter. Criteria: Invitae Variant Classification Sherloc (09022015). Collection method: clinical testing. Allele origin: germline.
Comment: This variant is not present in population databases (gnomAD no frequency). This variant has not been reported in the literature in individuals affected with NF1-related conditions. Advanced modeling of protein sequence and biophysical properties (such as structural, functional, and spatial information, amino acid conservation, physicochemical variation, residue mobility, and thermodynamic stability) performed at Invitae indicates that this missense variant is not expected to disrupt NF1 protein function. In summary, the available evidence is currently insufficient to determine the role of this variant in disease. Therefore, it has been classified as a Variant of Uncertain Significance. This sequence change replaces valine, which is neutral and non-polar, with leucine, which is neutral and non-polar, at codon 2229 of the NF1 protein (p.Val2229Leu).

NM_001042492.3(NF1):c.6748G>C (p.Val2250Leu)

Gene: NF1 (neurofibromin 1; plus strand). Cytogenetic location: 17q11.2.
Variant type: single nucleotide variant.
Coding change: c.6748G>C on transcript NM_001042492.3 (MANE Select); coding-DNA position 6748, G replaced by C.
Protein change: p.Val2250Leu; replaces valine 2250 with leucine.
Molecular consequence: missense variant.
Genome position (GRCh38, 1-based): chr17:31,338,068, G>C. VCF-style: chr17-31338068-G-C. GRCh37 (hg19) VCF-style: chr17-29665086-G-C.
Other names: c.6685G>C, p.Val2229Leu (NM_000267.4); short protein forms V2250L, V2229L.
Identifiers: ClinVar variation 2171458 (VCV002171458.5), dbSNP rs1208488322, ClinGen allele CA399014073.
Genomic context (GRCh38, chr17:31,338,068, plus strand): 5'-GGATCTTTTAATTGCAGATTTGCATTCCAATATAATCCATCCCTGCAACCAAGAGCTCTT[G>C]TTGTCTTTGGGTGTATTAGCAAACGAGTGTCTCATGGGCAGATAAAGCAGATAATCCGTA-3'
Protein context (NP_001035957.1, residues 2240-2260): YNPSLQPRAL[Val2250Leu]VFGCISKRVS